The following is an entry in ClinVar:

ClinVar aggregate classification (germline): Benign/Likely benign. Review status: criteria provided, multiple submitters, no conflicts (2 of 4 stars). 6 submissions from 6 submitters: Benign (3); Likely benign (2). 1 of the submissions does not count toward it. Last evaluated 2026-01-26.

Conditions:
Autosomal dominant striatal neurodegeneration type 1. Identifiers: Orphanet 228169, MedGen C4310808, MONDO:0012205, OMIM 609161.
PDE8B-related disorder. Also called: PDE8B-related condition.

Allele frequency attached by ClinVar (database versions not stated): 1000 Genomes Project 0.00998; 1000 Genomes Project 30x 0.01062; gnomAD exomes 0.02237 and 0.02891; TOPMed 0.02346; ExAC 0.02390; gnomAD 0.02434 and 0.02537; ESP Exome Variant Server 0.03076.
gnomAD v4.1: 45,541 of 1,609,390 alleles (2.8%); highest among the groups gnomAD compares: Non-Finnish European, 3.3%; 772 homozygotes.

Submissions (6):

Labcorp Genetics (formerly Invitae), Labcorp
Classification: Benign. Last evaluated: 2026-01-26. Review status: criteria provided, single submitter. Criteria: Invitae Variant Classification Sherloc (09022015). Collection method: clinical testing. Allele origin: germline.

Mayo Clinic Laboratories, Mayo Clinic
Classification: Benign. Last evaluated: 2023-02-21. Review status: criteria provided, single submitter. Criteria: ACMG Guidelines, 2015. Collection method: clinical testing. Allele origin: germline. Observed: 29 variant alleles.
Comment: BS1, BS2, BP4, BP7

Illumina Laboratory Services, Illumina
Classification: Benign for Autosomal dominant striatal neurodegeneration type 1. Last evaluated: 2018-01-13. Review status: criteria provided, single submitter. Criteria: ICSL Variant Classification Criteria 13 December 2019. Collection method: clinical testing. Allele origin: germline.
Comment: This variant was observed in the ICSL laboratory as part of a predisposition screen in an ostensibly healthy population. It had not been previously curated by ICSL or reported in the Human Gene Mutation Database (HGMD: prior to June 1st, 2018), and was therefore a candidate for classification through an automated scoring system. Utilizing variant allele frequency, disease prevalence and penetrance estimates, and inheritance mode, an automated score was calculated to assess if this variant is too frequent to cause the disease. Based on the score and internal cut-off values, a variant classified as benign is not then subjected to further curation. The score for this variant resulted in a classification of benign for this disease.

Laboratory for Molecular Medicine, Mass General Brigham Personalized Medicine
Classification: Likely benign. Last evaluated: 2016-03-28. Review status: criteria provided, single submitter. Criteria: LMM Criteria. Collection method: clinical testing. Allele origin: germline.
Comment: Variant identified in a genome or exome case(s) and assessed due to predicted null impact of the variant or pathogenic assertions in the literature or databases. Disclaimer: This variant has not undergone full assessment. The following are preliminary notes: ExAC frequency. Insufficient evidence for gene-disease association.

Breakthrough Genomics
Classification: Likely benign. Review status: criteria provided, single submitter. Criteria: ACMG Guidelines, 2015. Collection method: not provided. Allele origin: germline. Inheritance: Autosomal dominant inheritance. Affected: yes.

PreventionGenetics, part of Exact Sciences
Classification: Benign for PDE8B-related condition. Last evaluated: 2019-09-18. Review status: no assertion criteria provided. Collection method: clinical testing. Allele origin: germline. Not counted in ClinVar's aggregate classification.
Comment: This variant is classified as benign based on ACMG/AMP sequence variant interpretation guidelines (Richards et al. 2015 PMID: 25741868, with internal and published modifications).

NM_003719.5(PDE8B):c.1366-5G>A

Gene: PDE8B (phosphodiesterase 8B; plus strand). Cytogenetic location: 5q13.3.
Variant type: single nucleotide variant.
Coding change: c.1366-5G>A on transcript NM_003719.5 (MANE Select); 5 bases into the intron before coding-DNA position 1366, G replaced by A.
Molecular consequence: intron variant.
Genome position (GRCh38, 1-based): chr5:77,408,888, G>A. VCF-style: chr5-77408888-G-A. GRCh37 (hg19) VCF-style: chr5-76704713-G-A.
Other names: p.?; c.1126-5G>A (NM_001349750.3); c.982-5G>A (NM_001376069.1); c.1063-5G>A (NM_001376062.1, NM_001376072.1); c.922-5G>A (NM_001376070.1); c.772-5G>A (NM_001376073.1); c.1060-5G>A (NM_001349752.3); c.919-5G>A (NM_001376071.1); and 14 more.
Identifiers: ClinVar variation 354162 (VCV000354162.19), dbSNP rs79008179, ClinGen allele CA3315265.